The following is an entry in ClinVar:

ClinVar aggregate classification (germline): Pathogenic (3 of 4 stars; one submission).

Conditions:
Lynch syndrome. Identifiers: Orphanet 144, MedGen C4552100, MONDO:0005835. Disease mechanism: loss of function.

Submission:

International Society for Gastrointestinal Hereditary Tumours (InSiGHT)
Classification: Pathogenic for Lynch Syndrome. Last evaluated: 2013-09-05. Review status: reviewed by expert panel. Criteria: Guidelines v1.9. Collection method: research. Allele origin: germline.
Comment: Coding sequence variation resulting in a stop codon

Classified with v1.9 guidelines

NM_000179.3(MSH6):c.2976del (p.Glu993fs)

Gene: MSH6 (mutS homolog 6; plus strand). Cytogenetic location: 2p16.3.
Variant type: Deletion.
Coding change: c.2976del on transcript NM_000179.3 (MANE Select); coding-DNA position 2976, one base deleted (A; older notation c.2976delA).
Protein change: p.Glu993fs; shifts the reading frame from glutamic acid 993.
Molecular consequence: frameshift variant.
Genome position (GRCh38, 1-based): chr2:47,800,959, A deleted; the last of 2 consecutive A bases (chr2:47,800,958-47,800,959); deleting either gives the same sequence. VCF-style (leftmost placement, unchanged base first): chr2-47800957-GA-G. GRCh37 (hg19) VCF-style: chr2-48028096-GA-G.
Other names: c.2586del, p.Glu863fs (NM_001281492.2); c.2070del, p.Glu691fs (NM_001281493.2, NM_001281494.2); short protein forms E863fs, E691fs.
Identifiers: ClinVar variation 89326 (VCV000089326.2), dbSNP rs587779251, ClinGen allele CA011244.